The following is an entry in ClinVar:

ClinVar aggregate classification (germline): Pathogenic (1 of 4 stars; one submission).

Conditions:
Hereditary cancer-predisposing syndrome. Also called: Hereditary neoplastic syndrome; Neoplastic Syndromes, Hereditary; Tumor predisposition; Hereditary Cancer Syndrome. Identifiers: Orphanet 140162, MedGen C0027672, MeSH D009386, MONDO:0015356.

Submission:

Ambry Genetics
Classification: Pathogenic for Hereditary cancer-predisposing syndrome. Last evaluated: 2025-01-22. Review status: criteria provided, single submitter. Criteria: Ambry Variant Classification Scheme 2023. Collection method: clinical testing. Allele origin: germline.
Comment: The c.8655_8656delAC pathogenic mutation, located in coding exon 20 of the BRCA2 gene, results from a deletion of two nucleotides at nucleotide positions 8655 to 8656, causing a translational frameshift with a predicted alternate stop codon (p.L2885Ffs*21). This variant is considered to be rare based on population cohorts in the Genome Aggregation Database (gnomAD). This alteration is expected to result in loss of function by premature protein truncation or nonsense-mediated mRNA decay. As such, this alteration is interpreted as a disease-causing mutation.

NM_000059.4(BRCA2):c.8655_8656del (p.Leu2885fs)

Gene: BRCA2 (BRCA2 DNA repair associated; plus strand). Cytogenetic location: 13q13.1.
Variant type: Deletion.
Coding change: c.8655_8656del on transcript NM_000059.4 (MANE Select); coding-DNA positions 8655 to 8656, 2 bases deleted (AC; older notation c.8655_8656delAC).
Protein change: p.Leu2885fs; shifts the reading frame from leucine 2885.
Molecular consequence: frameshift variant. On other transcripts: non-coding transcript variant (1).
Genome position (GRCh38, 1-based): chr13:32,376,692-32,376,693, AC deleted. VCF-style (leftmost placement, unchanged base first): chr13-32376691-TAC-T. GRCh37 (hg19) VCF-style: chr13-32950828-TAC-T.
Other names: c.8559_8560del, p.Leu2853fs (NM_001406719.1); c.8655_8656del, p.Leu2885fs (NM_001406720.1, NM_001432077.1); c.3723_3724del, p.Leu1241fs (NM_001406721.1); c.2238_2239del, p.Leu746fs (NM_001406722.1); short protein forms L1241fs, L2853fs, L2885fs, L746fs.
Identifiers: ClinVar variation 3825439 (VCV003825439.1).
Genomic context (GRCh38, chr13:32,376,691, plus strand): 5'-TTACAGTTTAGTGAATTAATAATCCTTTTGTTTTCTTAGAAAACACAACAAAACCATATT[TAC>T]CATCACGTGCACTAACAAGACAGCAAGTTCGTGCTTTGCAAGATGGTGCAGAGCTTTATG-3'